The following is an entry in ClinVar:

NM_001378454.1(ALMS1):c.2012A>G (p.His671Arg)

Gene: ALMS1 (ALMS1 centrosome and basal body associated protein; plus strand). Cytogenetic location: 2p13.1.
Variant type: single nucleotide variant.
Coding change: c.2012A>G on transcript NM_001378454.1 (MANE Select); coding-DNA position 2012, A replaced by G.
Protein change: p.His671Arg; replaces histidine 671 with arginine.
Molecular consequence: missense variant.
Genome position (GRCh38, 1-based): chr2:73,448,539, A>G. VCF-style: chr2-73448539-A-G. GRCh37 (hg19) VCF-style: chr2-73675666-A-G.
Other names: c.2015A>G, p.His672Arg (NM_015120.4); short protein forms H672R, H671R.
Identifiers: ClinVar variation 967173 (VCV000967173.7), dbSNP rs1558647685, ClinGen allele CA347266220.

ClinVar aggregate classification (germline): Uncertain significance. Review status: criteria provided, multiple submitters, no conflicts (2 of 4 stars). 2 submissions from 2 submitters: Uncertain significance (2). Last evaluated 2026-01-12.

Conditions:
Alstrom syndrome (ALMS). Identifiers: Orphanet 64, MedGen C0268425, MONDO:0008763, OMIM 203800.

Allele frequency attached by ClinVar (database versions not stated): gnomAD exomes below 0.00001.
gnomAD v4.1: 4 of 1,613,914 alleles (0.00025%); highest among the groups gnomAD compares: Non-Finnish European, 0.00025%; no homozygotes.

Submissions (2):

Labcorp Genetics (formerly Invitae), Labcorp
Classification: Uncertain significance for Alstrom syndrome. Last evaluated: 2026-01-12. Review status: criteria provided, single submitter. Criteria: Invitae Variant Classification Sherloc (09022015). Collection method: clinical testing. Allele origin: germline.
Comment: This sequence change replaces histidine, which is basic and polar, with arginine, which is basic and polar, at codon 672 of the ALMS1 protein (p.His672Arg). This variant is present in population databases (no rsID available, gnomAD no frequency). This variant has not been reported in the literature in individuals affected with ALMS1-related conditions. ClinVar contains an entry for this variant (Variation ID: 967173). Experimental studies and prediction algorithms are not available or were not evaluated, and the functional significance of this variant is currently unknown. In summary, the available evidence is currently insufficient to determine the role of this variant in disease. Therefore, it has been classified as a Variant of Uncertain Significance.

Fulgent Genetics
Classification: Uncertain significance for Alstrom syndrome. Last evaluated: 2021-10-02. Review status: criteria provided, single submitter. Criteria: ACMG Guidelines, 2015. Collection method: clinical testing. Allele origin: unknown.